The following is an entry in ClinVar:

ClinVar aggregate classification (germline): Benign. Review status: criteria provided, multiple submitters, no conflicts (2 of 4 stars). 2 submissions from 2 submitters: Benign (2). Last evaluated 2019-10-16.

Allele frequency attached by ClinVar (database versions not stated): gnomAD exomes 0.00502 and 0.01319; ExAC 0.01590; gnomAD 0.04733 and 0.05091; 1000 Genomes Project 0.05312; TOPMed 0.05466; ESP Exome Variant Server 0.05505; 1000 Genomes Project 30x 0.05746.

Submissions (2):

GeneDx
Classification: Benign. Last evaluated: 2019-10-16. Review status: criteria provided, single submitter. Criteria: GeneDx Variant Classification Process June 2021. Collection method: clinical testing. Allele origin: germline. Affected: yes.
Comment: This variant is associated with the following publications: (PMID: 30814063)

Breakthrough Genomics
Classification: Benign. Review status: criteria provided, single submitter. Criteria: ACMG Guidelines, 2015. Collection method: not provided. Allele origin: germline. Inheritance: Unknown mechanism. Affected: yes.

NM_020996.3(FGF6):c.521A>T (p.Asp174Val)

Gene: FGF6 (fibroblast growth factor 6; minus strand). Cytogenetic location: 12p13.32.
Variant type: single nucleotide variant.
Coding change: c.521A>T on transcript NM_020996.3 (MANE Select); coding-DNA position 521, A replaced by T.
Protein change: p.Asp174Val; replaces aspartic acid 174 with valine.
Molecular consequence: missense variant.
Genome position (GRCh38, 1-based): chr12:4,434,321, T>A on the plus strand (A>T on the coding strand, the complement: FGF6 is on the minus strand). VCF-style: chr12-4434321-T-A. GRCh37 (hg19) VCF-style: chr12-4543487-T-A.
Other names: short protein forms D174V.
Identifiers: ClinVar variation 1238453 (VCV001238453.4), dbSNP rs7961645, ClinGen allele CA6395856.